The following is an entry in ClinVar:

ClinVar aggregate classification (germline): Uncertain significance (1 of 4 stars; one submission).

Allele frequency attached by ClinVar (database versions not stated): gnomAD exomes below 0.00001; gnomAD 0.00001; TOPMed 0.00002; ESP Exome Variant Server 0.00008.
gnomAD v4.1: 2 of 1,614,040 alleles (0.00012%); highest among the groups gnomAD compares: African/African-American, 0.0027%; no homozygotes.

Submission:

Labcorp Genetics (formerly Invitae), Labcorp
Classification: Uncertain significance. Last evaluated: 2022-06-03. Review status: criteria provided, single submitter. Criteria: Invitae Variant Classification Sherloc (09022015). Collection method: clinical testing. Allele origin: germline.
Comment: This sequence change replaces valine, which is neutral and non-polar, with methionine, which is neutral and non-polar, at codon 4 of the ABCA4 protein (p.Val4Met). This variant is not present in population databases (gnomAD no frequency). This variant has not been reported in the literature in individuals affected with ABCA4-related conditions. Advanced modeling of protein sequence and biophysical properties (such as structural, functional, and spatial information, amino acid conservation, physicochemical variation, residue mobility, and thermodynamic stability) performed at Invitae indicates that this missense variant is not expected to disrupt ABCA4 protein function. In summary, the available evidence is currently insufficient to determine the role of this variant in disease. Therefore, it has been classified as a Variant of Uncertain Significance.

NM_000350.3(ABCA4):c.10G>A (p.Val4Met)

Gene: ABCA4 (ATP binding cassette subfamily A member 4; minus strand). Cytogenetic location: 1p22.1.
Variant type: single nucleotide variant.
Coding change: c.10G>A on transcript NM_000350.3 (MANE Select); coding-DNA position 10, G replaced by A.
Protein change: p.Val4Met; replaces valine 4 with methionine.
Molecular consequence: missense variant.
Genome position (GRCh38, 1-based): chr1:94,121,036, C>T on the plus strand (G>A on the coding strand, the complement: ABCA4 is on the minus strand). VCF-style: chr1-94121036-C-T. GRCh37 (hg19) VCF-style: chr1-94586592-C-T.
Other names: c.10G>A, p.Val4Met (NM_001425324.1); short protein forms V4M.
Identifiers: ClinVar variation 2039015 (VCV002039015.1), dbSNP rs369852553, ClinGen allele CA26845241.
Genomic context (GRCh38, chr1:94,121,036, plus strand): 5'-TTACCTTTTGCCTTTTCCGCAGGGTCCAGTTCTTCCAGAGCAAAAGCTGTATCTGTCTCA[C>T]GAAGCCCATGCTAATGACCACACGAAGACCAGATTGGTCAGAGCTGAGGCCCCTCAGACA-3'
Protein context (NP_000341.2, residues 1-14): MGF[Val4Met]RQIQLLLWKN